The following is an entry in ClinVar:

ClinVar aggregate classification (germline): Uncertain significance. Review status: reviewed by expert panel (3 of 4 stars). 2 submissions from 2 submitters: Uncertain significance (1). 1 of the submissions does not count toward it. Last evaluated 2023-05-28.

Conditions:
Glycogen storage disease, type II (IOPD). Also called: CARDIOMEGALIA GLYCOGENICA DIFFUSA; GLYCOGENOSIS, GENERALIZED, CARDIAC FORM; GSD II; POMPE DISEASE, INFANTILE-ONSET; GLYCOGEN STORAGE DISEASE II, INFANTILE-ONSET; ACID ALPHA-GLUCOSIDASE DEFICIENCY, INFANTILE-ONSET. Identifiers: Orphanet 365, MedGen C0017921, MONDO:0009290, OMIM 232300.

Submissions (2):

ClinGen Lysosomal Storage Disorder Variant Curation Expert Panel
Classification: Uncertain significance for Glycogen storage disease, type II. Last evaluated: 2023-05-28. Review status: reviewed by expert panel. Criteria: clingen_lsd_acmg_specifications_v2-1. Collection method: curation. Allele origin: germline. Inheritance: Autosomal recessive inheritance.
Comment: The NM_000152.5:c.93_95del variant in GAA is predicted to cause a change in the length of the protein (p.Leu32del) due to an in-frame deletion of one amino acid in a non-repeat region (PM4_Supporting). The highest population minor allele frequency in gnomAD v2.1.1 is 0.0001149 (1/8700 alleles) in the African population, which is lower than the ClinGen LSD VCEP’s threshold for PM2_Supporting (<0.001), meeting this criterion (PM2_Supporting). To our knowledge, this variant has not been reported in the literature in individuals with Pompe disease, and results of experimental studies are not available. PROVEAN and Mutation Taster predict that the variant will have no impact on GAA function. SpliceAI predicts no impact on splicing (BP4). There is a ClinVar entry for this variant (Variation ID: 526535). In summary, this variant meets the criteria to be classified as a variant of uncertain significance for Pompe disease. GAA-specific ACMG/AMP criteria applied, as specified by the ClinGen Lysosomal Diseases VCEP (Specifications Version 2.0): PM2_Supporting, PM4_Supporting, BP4. (Classification approved by the ClinGen Lysosomal Diseases VCEP on May 28, 2023)

Labcorp Genetics (formerly Invitae), Labcorp
Classification: Uncertain significance for Glycogen storage disease, type II. Last evaluated: 2022-03-23. Review status: criteria provided, single submitter. Criteria: Invitae Variant Classification Sherloc (09022015). Collection method: clinical testing. Allele origin: germline. Not counted in ClinVar's aggregate classification.
Comment: In summary, the available evidence is currently insufficient to determine the role of this variant in disease. Therefore, it has been classified as a Variant of Uncertain Significance. Experimental studies and prediction algorithms are not available or were not evaluated, and the functional significance of this variant is currently unknown. ClinVar contains an entry for this variant (Variation ID: 526535). This variant has not been reported in the literature in individuals affected with GAA-related conditions. This variant is present in population databases (no rsID available, gnomAD 0.01%). This variant, c.93_95del, results in the deletion of 1 amino acid(s) of the GAA protein (p.Leu32del), but otherwise preserves the integrity of the reading frame.

NM_000152.5(GAA):c.93_95del (p.Leu32del)

Gene: GAA (alpha glucosidase; plus strand). Cytogenetic location: 17q25.3.
Variant type: Deletion.
Coding change: c.93_95del on transcript NM_000152.5 (MANE Select); coding-DNA positions 93 to 95, 3 bases deleted (ACT; older notation c.93_95delACT).
Protein change: p.Leu32del; deletes leucine 32.
Molecular consequence: inframe deletion.
Genome position (GRCh38, 1-based): chr17:80,104,679-80,104,681, ACT deleted; deleting any 3 consecutive bases within chr17:80,104,677-80,104,681 gives the same sequence; the c. name uses the placement nearest the transcript's 3' end. VCF-style (leftmost placement, unchanged base first): chr17-80104676-CCTA-C. GRCh37 (hg19) VCF-style: chr17-78078475-CCTA-C.
Other names: c.93_95del (LRG_673t1); c.93_95del, p.Leu32del (NM_001079803.3, NM_001079804.3); short protein forms L32del.
Identifiers: ClinVar variation 526535 (VCV000526535.12), dbSNP rs1278892703, ClinGen allele CA628018663.
Genomic context (GRCh38, chr17:80,104,676, plus strand): 5'-CCGGCTCCTGGCCGTCTGCGCCCTCGTGTCCTTGGCAACCGCTGCACTCCTGGGGCACAT[CCTA>C]CTCCATGATTTCCTGCTGGTTCCCCGAGAGCTGAGTGGCTCCTCCCCAGTCCTGGAGGAG-3'